The following is an entry in ClinVar:

ClinVar aggregate classification (germline): Likely benign (1 of 4 stars; one submission).

Conditions:
PLXNA4-related disorder. Also called: PLXNA4-related condition.

gnomAD v4.1: 1 of 1,551,488 alleles (0.000064%); highest among the groups gnomAD compares: East Asian, 0.0023%; no homozygotes.

Submission:

PreventionGenetics, part of Exact Sciences
Classification: Likely benign for PLXNA4-related condition. Last evaluated: 2025-02-13. Review status: criteria provided, single submitter. Criteria: ACMG Guidelines, 2015. Collection method: clinical testing. Allele origin: germline.
Comment: This variant is classified as likely benign based on ACMG/AMP sequence variant interpretation guidelines (Richards et al. 2015 PMID: 25741868, with internal and published modifications).

NM_020911.2(PLXNA4):c.4278G>A (p.Leu1426=)

Gene: PLXNA4 (plexin A4; minus strand). Cytogenetic location: 7q32.3.
Variant type: single nucleotide variant.
Coding change: c.4278G>A on transcript NM_020911.2 (MANE Select); coding-DNA position 4278, G replaced by A.
Protein change: p.Leu1426=; no amino-acid change (leucine 1426 retained).
Molecular consequence: synonymous variant.
Genome position (GRCh38, 1-based): chr7:132,168,312, C>T on the plus strand (G>A on the coding strand, the complement: PLXNA4 is on the minus strand). VCF-style: chr7-132168312-C-T. GRCh37 (hg19) VCF-style: chr7-131853071-C-T.
Other names: c.4278G>A, p.Leu1426= (NM_001393897.1).
Identifiers: ClinVar variation 4998603 (VCV004998603.1).